The following is an entry in ClinVar:

ClinVar aggregate classification (germline): Conflicting classifications of pathogenicity. Review status: criteria provided, conflicting classifications (1 of 4 stars). 2 submissions from 2 submitters: Uncertain significance (1); Likely benign (1). Last evaluated 2026-06-01.

gnomAD v4.1: 26 of 1,614,014 alleles (0.0016%); highest among the groups gnomAD compares: Non-Finnish European, 0.002%; no homozygotes.

Submissions (2):

CeGaT Center for Human Genetics Tuebingen
Classification: Likely benign. Last evaluated: 2026-06-01. Review status: criteria provided, single submitter. Criteria: CeGaT Center For Human Genetics Tuebingen Variant Classification Criteria Version 2. Collection method: clinical testing. Allele origin: germline. Affected: yes. Observed: 1 variant allele.
Comment: DLL1: BP4

Labcorp Genetics (formerly Invitae), Labcorp
Classification: Uncertain significance. Last evaluated: 2024-12-04. Review status: criteria provided, single submitter. Criteria: Invitae Variant Classification Sherloc (09022015). Collection method: clinical testing. Allele origin: germline.
Comment: This sequence change replaces glutamic acid, which is acidic and polar, with lysine, which is basic and polar, at codon 712 of the DLL1 protein (p.Glu712Lys). This variant is present in population databases (no rsID available, gnomAD 0.003%). This variant has not been reported in the literature in individuals affected with DLL1-related conditions. An algorithm developed to predict the effect of missense changes on protein structure and function (PolyPhen-2) suggests that this variant is likely to be tolerated. In summary, the available evidence is currently insufficient to determine the role of this variant in disease. Therefore, it has been classified as a Variant of Uncertain Significance.

NM_005618.4(DLL1):c.2134G>A (p.Glu712Lys)

Genes: DLL1 (delta like canonical Notch ligand 1; minus strand), LOC126859913 (P300/CBP strongly-dependent group 1 enhancer GRCh37_chr6:170591232-170592431; plus strand). Cytogenetic location: 6q27.
Variant type: single nucleotide variant.
Coding change: c.2134G>A on transcript NM_005618.4 (MANE Select); coding-DNA position 2134, G replaced by A.
Protein change: p.Glu712Lys; replaces glutamic acid 712 with lysine.
Molecular consequence: missense variant.
Genome position (GRCh38, 1-based): chr6:170,283,020, C>T on the plus strand (G>A on the coding strand, the complement: DLL1 is on the minus strand). VCF-style: chr6-170283020-C-T. GRCh37 (hg19) VCF-style: chr6-170592108-C-T.
Other names: short protein forms E712K.
Identifiers: ClinVar variation 3616625 (VCV003616625.4).